The following is an entry in ClinVar:

ClinVar aggregate classification (germline): Uncertain significance (1 of 4 stars; one submission).

Conditions:
PCNT-related disorder. Also called: PCNT-related condition.

gnomAD v4.1: 4 of 1,614,054 alleles (0.00025%); highest among the groups gnomAD compares: African/African-American, 0.0053%; no homozygotes.

Submission:

PreventionGenetics, part of Exact Sciences
Classification: Uncertain significance for PCNT-related condition. Last evaluated: 2025-12-31. Review status: criteria provided, single submitter. Criteria: ACMG Guidelines, 2015. Collection method: clinical testing. Allele origin: germline.
Comment: The PCNT c.671C>T variant is predicted to result in the amino acid substitution p.Thr224Ile. To our knowledge, this variant has not been reported in the literature. This variant is reported in 0.0062% of alleles in individuals of African descent in gnomAD. At this time, the clinical significance of this variant is uncertain due to the absence of conclusive functional and genetic evidence.

NM_006031.6(PCNT):c.671C>T (p.Thr224Ile)

Gene: PCNT (pericentrin; plus strand). Cytogenetic location: 21q22.3.
Variant type: single nucleotide variant.
Coding change: c.671C>T on transcript NM_006031.6 (MANE Select); coding-DNA position 671, C replaced by T.
Protein change: p.Thr224Ile; replaces threonine 224 with isoleucine.
Molecular consequence: missense variant.
Genome position (GRCh38, 1-based): chr21:46,346,159, C>T. VCF-style: chr21-46346159-C-T. GRCh37 (hg19) VCF-style: chr21-47766073-C-T.
Other names: c.317C>T, p.Thr106Ile (NM_001315529.2); short protein forms T106I, T224I.
Identifiers: ClinVar variation 4996134 (VCV004996134.1).